The following is an entry in ClinVar:

ClinVar aggregate classification (germline): Pathogenic (1 of 4 stars; one submission).

Submission:

Labcorp Genetics (formerly Invitae), Labcorp
Classification: Pathogenic. Last evaluated: 2022-03-18. Review status: criteria provided, single submitter. Criteria: Invitae Variant Classification Sherloc (09022015). Collection method: clinical testing. Allele origin: germline.
Comment: This variant has not been reported in the literature in individuals affected with DMXL2-related conditions. This variant is not present in population databases (gnomAD no frequency). This sequence change creates a premature translational stop signal (p.Trp1704*) in the DMXL2 gene. It is expected to result in an absent or disrupted protein product. Loss-of-function variants in DMXL2 are known to be pathogenic (PMID: 30237576, 31688942). For these reasons, this variant has been classified as Pathogenic.

Literature cited by the submitters: PubMed 30237576; PubMed 31688942.

NM_001378457.1(DMXL2):c.5112G>A (p.Trp1704Ter)

Gene: DMXL2 (Dmx like 2; minus strand). Cytogenetic location: 15q21.2.
Variant type: single nucleotide variant.
Coding change: c.5112G>A on transcript NM_001378457.1 (MANE Select); coding-DNA position 5112, G replaced by A.
Protein change: p.Trp1704Ter; replaces tryptophan 1704 with a stop codon.
Molecular consequence: nonsense. On other transcripts: non-coding transcript variant (2).
Genome position (GRCh38, 1-based): chr15:51,488,059, C>T on the plus strand (G>A on the coding strand, the complement: DMXL2 is on the minus strand). VCF-style: chr15-51488059-C-T. GRCh37 (hg19) VCF-style: chr15-51780256-C-T.
Other names: c.5112G>A, p.Trp1704Ter (NM_001174116.3, NM_001378458.1, NM_001378459.1 and 4 more transcripts); c.3204G>A, p.Trp1068Ter (NM_001174117.3); c.3093G>A, p.Trp1031Ter (NM_001378460.1); c.4872G>A, p.Trp1624Ter (NM_001378464.1); short protein forms W1031*, W1624*, W1704*, W1068*.
Identifiers: ClinVar variation 2035321 (VCV002035321.4), dbSNP rs2548473723, ClinGen allele CA392427633.
Genomic context (GRCh38, chr15:51,488,059, plus strand): 5'-CGATTGTTCAAAGCGTTGTTTTCCAAGTAAGGAAAAAGCATTTTTCAAAGCAGCTTTTCG[C>T]CATCTATCTTCATTAAAGTTGTGGCTGAAAAATGTTGTCATTTTTTCATCATGCTGTGAC-3'